The following is an entry in ClinVar:

ClinVar aggregate classification (germline): Conflicting classifications of pathogenicity. Review status: criteria provided, conflicting classifications (1 of 4 stars). 9 submissions from 5 submitters: Uncertain significance (4); Benign (1); Likely benign (4). Last evaluated 2025-08-05.

Conditions:
Dilated cardiomyopathy 1G (CMD1G). Identifiers: Orphanet 154, MedGen C1858763, MONDO:0011400, OMIM 604145.
Autosomal recessive limb-girdle muscular dystrophy type 2J (LGMDR10). Also called: Limb-girdle muscular dystrophy, type 2J; MUSCULAR DYSTROPHY, LIMB-GIRDLE, AUTOSOMAL RECESSIVE 10. Identifiers: Orphanet 140922, MedGen C1837342, MONDO:0012127, OMIM 608807.
TTN-related disorder. Also called: TTN-related disorders; TTN-related condition; TTN-related disease.
Early-onset myopathy with fatal cardiomyopathy (CMYO5). Also called: Salih Myopathy; CONGENITAL MYOPATHY 5 WITH CARDIOMYOPATHY. Identifiers: Orphanet 289377, MedGen C2673677, MONDO:0012714, OMIM 611705. Disease mechanism: loss of function.
Myopathy, myofibrillar, 9, with early respiratory failure (MFM9). Also called: MYOPATHY, PROXIMAL, WITH EARLY RESPIRATORY MUSCLE INVOLVEMENT; Hereditary myopathy with early respiratory failure; Myopathy, distal, with early respiratory failure, autosomal dominant; EDSTROM MYOPATHY. Identifiers: Orphanet 178464, Orphanet 34521, MedGen C1863599, MONDO:0011362, OMIM 603689.
Tibial muscular dystrophy (TMD). Also called: UDD MYOPATHY; Tibial muscular dystrophy, tardive; Udd Distal Myopathy – Tibial Muscular Dystrophy. Identifiers: Orphanet 609, MedGen C1838244, MONDO:0010870, OMIM 600334.

Allele frequency attached by ClinVar (database versions not stated): gnomAD exomes 0.00001 and 0.00002; ExAC 0.00004; ESP Exome Variant Server 0.00008; gnomAD 0.00011 and 0.00012; TOPMed 0.00013.
gnomAD v4.1: 26 of 1,613,660 alleles (0.0016%); highest among the groups gnomAD compares: African/African-American, 0.031%; no homozygotes.

Submissions (9):

PreventionGenetics, part of Exact Sciences
Classification: Likely benign for TTN-related condition. Last evaluated: 2025-08-05. Review status: criteria provided, single submitter. Criteria: ACMG Guidelines, 2015. Collection method: clinical testing. Allele origin: germline.
Comment: This variant is classified as likely benign based on ACMG/AMP sequence variant interpretation guidelines (Richards et al. 2015 PMID: 25741868, with internal and published modifications).

Women's Health and Genetics/Laboratory Corporation of America, LabCorp
Classification: Likely benign. Last evaluated: 2023-08-19. Review status: criteria provided, single submitter. Criteria: LabCorp Variant Classification Summary - May 2015. Collection method: clinical testing. Allele origin: germline.

GeneDx
Classification: Likely benign. Last evaluated: 2021-07-22. Review status: criteria provided, single submitter. Criteria: GeneDx Variant Classification Process June 2021. Collection method: clinical testing. Allele origin: germline. Affected: yes.

Labcorp Genetics (formerly Invitae), Labcorp
Classification: Uncertain significance for Dilated cardiomyopathy 1G; Autosomal recessive limb-girdle muscular dystrophy type 2J. Last evaluated: 2019-07-06. Review status: criteria provided, single submitter. Criteria: Invitae Variant Classification Sherloc (09022015). Collection method: clinical testing. Allele origin: germline.
Comment: This sequence change affects codon 9514 of the TTN mRNA. It is a 'silent' change, meaning that it does not change the encoded amino acid sequence of the TTN protein. This variant is present in population databases (rs370604793, ExAC 0.05%) but has not been reported in the literature in individuals with a TTN-related disease. ClinVar contains an entry for this variant (Variation ID: 332902). This variant identified in the TTN gene is located in the I band of the resulting protein (PMID: 25589632). Algorithms developed to predict the effect of sequence changes on RNA splicing suggest that this variant may alter RNA splicing, but this prediction has not been confirmed by published transcriptional studies. In summary, this is a rare silent change with uncertain impact on splicing. It has been classified as a Variant of Uncertain Significance.

Illumina Laboratory Services, Illumina
Classification: Uncertain significance for Dilated cardiomyopathy 1G. Last evaluated: 2018-01-12. Review status: criteria provided, single submitter. Criteria: ICSL Variant Classification Criteria 13 December 2019. Collection method: clinical testing. Allele origin: germline.

Illumina Laboratory Services, Illumina
Classification: Likely benign for Myopathy, myofibrillar, 9, with early respiratory failure. Last evaluated: 2018-01-12. Review status: criteria provided, single submitter. Criteria: ICSL Variant Classification Criteria 13 December 2019. Collection method: clinical testing. Allele origin: germline.
Comment: This variant was observed in the ICSL laboratory as part of a predisposition screen in an ostensibly healthy population. It had not been previously curated by ICSL or reported in the Human Gene Mutation Database (HGMD: prior to June 1st, 2018), and was therefore a candidate for classification through an automated scoring system. Utilizing variant allele frequency, disease prevalence and penetrance estimates, and inheritance mode, an automated score was calculated to assess if this variant is too frequent to cause the disease. Based on the score and internal cut-off values, a variant classified as likely benign is not then subjected to further curation. The score for this variant resulted in a classification of likely benign for this disease.

Illumina Laboratory Services, Illumina
Classification: Uncertain significance for Early-onset myopathy with fatal cardiomyopathy. Last evaluated: 2018-01-12. Review status: criteria provided, single submitter. Criteria: ICSL Variant Classification Criteria 13 December 2019. Collection method: clinical testing. Allele origin: germline.

Illumina Laboratory Services, Illumina
Classification: Uncertain significance for Autosomal recessive limb-girdle muscular dystrophy type 2J. Last evaluated: 2018-01-12. Review status: criteria provided, single submitter. Criteria: ICSL Variant Classification Criteria 13 December 2019. Collection method: clinical testing. Allele origin: germline.

Illumina Laboratory Services, Illumina
Classification: Benign for Tibial muscular dystrophy. Last evaluated: 2018-01-12. Review status: criteria provided, single submitter. Criteria: ICSL Variant Classification Criteria 13 December 2019. Collection method: clinical testing. Allele origin: germline.
Comment: This variant was observed in the ICSL laboratory as part of a predisposition screen in an ostensibly healthy population. It had not been previously curated by ICSL or reported in the Human Gene Mutation Database (HGMD: prior to June 1st, 2018), and was therefore a candidate for classification through an automated scoring system. Utilizing variant allele frequency, disease prevalence and penetrance estimates, and inheritance mode, an automated score was calculated to assess if this variant is too frequent to cause the disease. Based on the score and internal cut-off values, a variant classified as benign is not then subjected to further curation. The score for this variant resulted in a classification of benign for this disease.

Literature cited by the submitters: PubMed 25589632 (cited by Labcorp Genetics (formerly Invitae), Labcorp).

NM_001267550.2(TTN):c.28542G>A (p.Glu9514=)

Gene: TTN (titin; minus strand). Cytogenetic location: 2q31.2.
Variant type: single nucleotide variant.
Coding change: c.28542G>A on transcript NM_001267550.2 (MANE Select); coding-DNA position 28542, G replaced by A.
Protein change: p.Glu9514=; no amino-acid change (glutamic acid 9514 retained).
Molecular consequence: synonymous variant. On other transcripts: intron variant (3).
Genome position (GRCh38, 1-based): chr2:178,709,777, C>T on the plus strand (G>A on the coding strand, the complement: TTN is on the minus strand). VCF-style: chr2-178709777-C-T. GRCh37 (hg19) VCF-style: chr2-179574504-C-T.
Other names: c.27591G>A, p.Glu9197= (NM_001256850.1); c.24810G>A, p.Glu8270= (NM_133378.4); c.13282+28305G>A (NM_003319.4); c.13858+28305G>A (NM_133437.4); c.13657+28305G>A (NM_133432.3).
Identifiers: ClinVar variation 332902 (VCV000332902.11), dbSNP rs370604793, ClinGen allele CA1999574.